The following is an entry in ClinVar:

NM_000282.4(PCCA):c.1561G>T (p.Glu521Ter)

Gene: PCCA (propionyl-CoA carboxylase subunit alpha; plus strand). Cytogenetic location: 13q32.3.
Variant type: single nucleotide variant.
Coding change: c.1561G>T on transcript NM_000282.4 (MANE Select); coding-DNA position 1561, G replaced by T.
Protein change: p.Glu521Ter; replaces glutamic acid 521 with a stop codon.
Molecular consequence: nonsense. On other transcripts: non-coding transcript variant (5).
Genome position (GRCh38, 1-based): chr13:100,340,177, G>T. VCF-style: chr13-100340177-G-T. GRCh37 (hg19) VCF-style: chr13-100992431-G-T.
Other names: c.1483G>T, p.Glu495Ter (NM_001127692.3, NM_001352607.2); c.1561G>T, p.Glu521Ter (NM_001178004.2, NM_001352605.2, NM_001352609.2); c.1417G>T, p.Glu473Ter (NM_001352606.2); c.1339G>T, p.Glu447Ter (NM_001352608.2); c.616G>T, p.Glu206Ter (NM_001352610.2, NM_001352611.2); c.472G>T, p.Glu158Ter (NM_001352612.2); c.1561G>T (NM_000282.3); short protein forms E158*, E206*, E447*, E473*, E495*, E521*.
Identifiers: ClinVar variation 1074143 (VCV001074143.9), dbSNP rs2071086995, ClinGen allele CA388696337.

ClinVar aggregate classification (germline): Pathogenic/Likely pathogenic. Review status: criteria provided, multiple submitters, no conflicts (2 of 4 stars). 3 submissions from 3 submitters: Pathogenic (1); Likely pathogenic (2). Last evaluated 2025-01-28.

Conditions:
Propionic acidemia (PROP). Also called: GLYCINEMIA, KETOTIC; HYPERGLYCINEMIA WITH KETOACIDOSIS AND LEUKOPENIA; KETOTIC HYPERGLYCINEMIA. Identifiers: Orphanet 35, MedGen C0268579, MONDO:0011628, OMIM 606054, HP:0003571.

Allele frequency attached by ClinVar (database versions not stated): gnomAD exomes below 0.00001; TOPMed below 0.00001.

Submissions (3):

Natera, Inc.
Classification: Likely pathogenic for Propionic acidemia. Last evaluated: 2025-01-28. Review status: criteria provided, single submitter. Criteria: Natera Variant Classification Schema (03/2026). Collection method: clinical testing. Allele origin: germline.
Comment: The c.1561G>T variant in PCCA is a nonsense variant predicted to introduce a stop codon at amino acid 521. This variant is expected to result in nonsense mediated decay, truncation, or a dysfunctional protein product. This variant is rare in the general population with a frequency below the threshold expected for the associated phenotype(s). Given the available evidence, this variant is classified as Likely Pathogenic.

Baylor Genetics
Classification: Likely pathogenic for Propionic acidemia. Last evaluated: 2024-02-16. Review status: criteria provided, single submitter. Criteria: ACMG Guidelines, 2015. Collection method: clinical testing. Allele origin: unknown.

Labcorp Genetics (formerly Invitae), Labcorp
Classification: Pathogenic for Propionic acidemia. Last evaluated: 2020-03-30. Review status: criteria provided, single submitter. Criteria: Invitae Variant Classification Sherloc (09022015). Collection method: clinical testing. Allele origin: germline.
Comment: For these reasons, this variant has been classified as Pathogenic. Loss-of-function variants in PCCA are known to be pathogenic (PMID: 15464417). This variant has not been reported in the literature in individuals with PCCA-related conditions. This variant is not present in population databases (ExAC no frequency). This sequence change creates a premature translational stop signal (p.Glu521*) in the PCCA gene. It is expected to result in an absent or disrupted protein product.

Literature cited by the submitters: PubMed 15464417 (cited by Labcorp Genetics (formerly Invitae), Labcorp).